The following is an entry in ClinVar:

ClinVar aggregate classification (germline): Pathogenic/Likely pathogenic. Review status: criteria provided, multiple submitters, no conflicts (2 of 4 stars). 3 submissions from 3 submitters: Pathogenic (2); Likely pathogenic (1). Last evaluated 2025-10-08.

Conditions:
Hereditary cancer-predisposing syndrome. Also called: Hereditary Cancer Syndrome; Hereditary neoplastic syndrome; Neoplastic Syndromes, Hereditary; Tumor predisposition. Identifiers: Orphanet 140162, MedGen C0027672, MeSH D009386, MONDO:0015356.
Peutz-Jeghers syndrome (PJS). Also called: POLYPOSIS, HAMARTOMATOUS INTESTINAL; POLYPS-AND-SPOTS SYNDROME; Peutz-Jeghers polyposis; Periorificial lentiginosis syndrome. Identifiers: Orphanet 2869, MedGen C0031269, MeSH D010580, MONDO:0008280, OMIM 175200.

Allele frequency attached by ClinVar (database versions not stated): gnomAD exomes below 0.00001.
gnomAD v4.1: 1 of 1,579,958 alleles (0.000063%); highest among the groups gnomAD compares: Non-Finnish European, 0.000086%; no homozygotes.

Submissions (3):

Ambry Genetics
Classification: Pathogenic for Hereditary cancer-predisposing syndrome. Last evaluated: 2025-10-08. Review status: criteria provided, single submitter. Criteria: Ambry Variant Classification Scheme 2023. Collection method: clinical testing. Allele origin: germline.
Comment: The c.464+1G>A intronic variant results from a G to A substitution one nucleotide after coding exon 3 of the STK11 gene. Alterations that disrupt the canonical splice site are expected to result in aberrant splicing. In silico splice site analysis predicts that this alteration will weaken the native splice donor site. A resulting transcript is predicted to be in-frame and is not expected to trigger nonsense-mediated mRNAdecay; although, direct evidence is unavailable. However, a significant portion of the protein is predicted to be impacted (Ambry internal data). This variant was reported in individual(s) with features consistent with Peutz-Jeghers syndrome; in at least one individual, it was determined to be de novo (Jiang YL et al. Cancer Genet, 2019 Jan;230:47-57; Liu J et al. World J Gastrointest Oncol, 2024 Apr;16:1532-1546). Other variants impacting the same donor site (c.464+1G>T, c.464+1dupG) have been identified in individuals with features consistent with Peutz-Jeghers syndrome ((Su GH et al. Am J Pathol, 1999 Jun;154:1835-40; Westerman AM et al. Hum Mutat, 1999;13:476-81; Ambry internal data). This variant is considered to be rare based on population cohorts in the Genome Aggregation Database (gnomAD). This nucleotide position is highly conserved in available vertebrate species. As such, this alteration is classified as likely pathogenic.

Labcorp Genetics (formerly Invitae), Labcorp
Classification: Pathogenic for Peutz-Jeghers syndrome. Last evaluated: 2025-06-29. Review status: criteria provided, single submitter. Criteria: Invitae Variant Classification Sherloc (09022015). Collection method: clinical testing. Allele origin: germline.
Comment: This sequence change affects a donor splice site in intron 3 of the STK11 gene. It is expected to disrupt RNA splicing. Variants that disrupt the donor or acceptor splice site typically lead to a loss of protein function (PMID: 16199547), and loss-of-function variants in STK11 are known to be pathogenic (PMID: 15188174, 16287113). This variant is not present in population databases (gnomAD no frequency). Disruption of this splice site has been observed in individuals with Peutz-Jeghers syndrome (PMID: 30528796; internal data). ClinVar contains an entry for this variant (Variation ID: 924495). Algorithms developed to predict the effect of sequence changes on RNA splicing suggest that this variant may disrupt the consensus splice site. For these reasons, this variant has been classified as Pathogenic.

Color Diagnostics, LLC DBA Color Health
Classification: Likely pathogenic for Hereditary cancer-predisposing syndrome. Last evaluated: 2020-05-04. Review status: criteria provided, single submitter. Criteria: ACMG Guidelines, 2015. Collection method: clinical testing. Allele origin: germline.
Comment: This variant causes a G to A nucleotide substitution at the +1 position of intron 3 of the STK11 gene. Splice site prediction tools predict that this variant may have a significant impact on RNA splicing. Although this prediction has not been confirmed in published RNA studies, this variant is expected to result in an absent or disrupted protein product. To our knowledge, functional studies have not been reported for this variant. This variant has been reported in an individual affected with Peutz-Jeghers syndrome with positive family history (PMID 30528796). This variant has not been identified in the general population by the Genome Aggregation Database (gnomAD). Loss of STK11 function is a known mechanism of disease. Based on the available evidence, this variant is classified as Likely Pathogenic.

Literature cited by the submitters: PubMed 10362809 (cited by Ambry Genetics); PubMed 10408777 (cited by Ambry Genetics); PubMed 30528796 (cited by Ambry Genetics and Labcorp Genetics (formerly Invitae), Labcorp); PubMed 38660671 (cited by Ambry Genetics); PubMed 16199547 (cited by Labcorp Genetics (formerly Invitae), Labcorp); PubMed 15188174 (cited by Labcorp Genetics (formerly Invitae), Labcorp); PubMed 16287113 (cited by Labcorp Genetics (formerly Invitae), Labcorp).

NM_000455.5(STK11):c.464+1G>A

Gene: STK11 (serine/threonine kinase 11; plus strand). Cytogenetic location: 19p13.3.
Variant type: single nucleotide variant.
Coding change: c.464+1G>A on transcript NM_000455.5 (MANE Select); the canonical splice donor site of the intron after coding-DNA position 464, G replaced by A.
Molecular consequence: splice donor variant.
Genome position (GRCh38, 1-based): chr19:1,219,414, G>A. VCF-style: chr19-1219414-G-A. GRCh37 (hg19) VCF-style: chr19-1219413-G-A.
Other names: c.464+1G>A (NM_001407255.1).
Identifiers: ClinVar variation 924495 (VCV000924495.12), dbSNP rs730881971, ClinGen allele CA402948405.